The following is an entry in ClinVar:

NM_004519.4(KCNQ3):c.1103T>G (p.Phe368Cys)

Gene: KCNQ3 (potassium voltage-gated channel subfamily Q member 3; minus strand). Cytogenetic location: 8q24.22.
Variant type: single nucleotide variant.
Coding change: c.1103T>G on transcript NM_004519.4 (MANE Select); coding-DNA position 1103, T replaced by G.
Protein change: p.Phe368Cys; replaces phenylalanine 368 with cysteine.
Molecular consequence: missense variant.
Genome position (GRCh38, 1-based): chr8:132,172,635, A>C on the plus strand (T>G on the coding strand, the complement: KCNQ3 is on the minus strand). VCF-style: chr8-132172635-A-C. GRCh37 (hg19) VCF-style: chr8-133184882-A-C.
Other names: c.743T>G, p.Phe248Cys (NM_001204824.2); short protein forms F248C, F368C.
Identifiers: ClinVar variation 5016980 (VCV005016980.1).
Genomic context (GRCh38, chr8:132,172,635, plus strand): 5'-AGTTCATTCCCAGGCAGACAGACCTGAATGAGCTCAGCAGCTGGCTTCCTCCTTTTCTCA[A>C]AGTGCTTCTGACGGTGTTGCTCCTGCACCTTGAGGGCCAGCCCGGACCCCAGGATGCCCT-3'
Protein context (NP_004510.1, residues 358-378): KVQEQHRQKH[Phe368Cys]EKRRKPAAEL

ClinVar aggregate classification (germline): Uncertain significance (1 of 4 stars; one submission).

Submission:

GeneDx
Classification: Uncertain significance. Last evaluated: 2026-03-25. Review status: criteria provided, single submitter. Criteria: GeneDx Variant Classification Process June 2021. Collection method: clinical testing. Allele origin: germline.
Comment: Not observed at significant frequency in large population cohorts (gnomAD); In silico analysis supports that this missense variant has a deleterious effect on protein structure/function; Has not been previously published as pathogenic or benign to our knowledge